The following is an entry in ClinVar:

NM_004177.5(STX3):c.556A>G (p.Ile186Val)

Gene: STX3 (syntaxin 3; plus strand). Cytogenetic location: 11q12.1.
Variant type: single nucleotide variant.
Coding change: c.556A>G on transcript NM_004177.5 (MANE Select); coding-DNA position 556, A replaced by G.
Protein change: p.Ile186Val; replaces isoleucine 186 with valine.
Molecular consequence: missense variant.
Genome position (GRCh38, 1-based): chr11:59,793,395, A>G. VCF-style: chr11-59793395-A-G. GRCh37 (hg19) VCF-style: chr11-59560868-A-G.
Other names: c.556A>G, p.Ile186Val (NM_001178040.3); short protein forms I186V.
Identifiers: ClinVar variation 1371689 (VCV001371689.8), dbSNP rs2135020512, ClinGen allele CA380799639.
Genomic context (GRCh38, chr11:59,793,395, plus strand): 5'-CTTTCTTGCAGGGGTAGCTAACAGTCTGTGTGTGGCCTGTTGTAGATCATTGACTCACAG[A>G]TTTCCAAGCAAGCCCTCAGTGAGATTGAGGGACGACACAAGGACATTGTGAGGCTGGAGA-3'
Protein context (NP_004168.1, residues 176-196): IFTSGIIDSQ[Ile186Val]SKQALSEIEG

ClinVar aggregate classification (germline): Uncertain significance (1 of 4 stars; one submission).

Allele frequency attached by ClinVar (database versions not stated): gnomAD exomes below 0.00001.
gnomAD v4.1: 2 of 1,613,942 alleles (0.00012%); highest among the groups gnomAD compares: Non-Finnish European, 0.00017%; no homozygotes.

Submission:

Labcorp Genetics (formerly Invitae), Labcorp
Classification: Uncertain significance. Last evaluated: 2021-03-03. Review status: criteria provided, single submitter. Criteria: Invitae Variant Classification Sherloc (09022015). Collection method: clinical testing. Allele origin: germline.
Comment: This variant is not present in population databases (ExAC no frequency). This sequence change replaces isoleucine with valine at codon 186 of the STX3 protein (p.Ile186Val). The isoleucine residue is highly conserved and there is a small physicochemical difference between isoleucine and valine. In summary, the available evidence is currently insufficient to determine the role of this variant in disease. Therefore, it has been classified as a Variant of Uncertain Significance. Algorithms developed to predict the effect of missense changes on protein structure and function (SIFT, PolyPhen-2, Align-GVGD) all suggest that this variant is likely to be tolerated, but these predictions have not been confirmed by published functional studies and their clinical significance is uncertain. This variant has not been reported in the literature in individuals with STX3-related conditions.